The following is an entry in ClinVar:

ClinVar aggregate classification (germline): Uncertain significance (1 of 4 stars; one submission).

Conditions:
Focal segmental glomerulosclerosis 5 (FSGS5). Identifiers: Orphanet 656, MedGen C2750475, MONDO:0013191, OMIM 613237.
Charcot-Marie-Tooth disease dominant intermediate E. Also called: CHARCOT-MARIE-TOOTH NEUROPATHY WITH FOCAL SEGMENTAL GLOMERULONEPHRITIS. Identifiers: Orphanet 93114, MedGen C4302667, MONDO:0013758, OMIM 614455.

Submission:

Labcorp Genetics (formerly Invitae), Labcorp
Classification: Uncertain significance for Charcot-Marie-Tooth disease dominant intermediate E; Focal segmental glomerulosclerosis 5. Last evaluated: 2023-12-13. Review status: criteria provided, single submitter. Criteria: Invitae Variant Classification Sherloc (09022015). Collection method: clinical testing. Allele origin: germline.
Comment: This sequence change falls in intron 3 of the INF2 gene. It does not directly change the encoded amino acid sequence of the INF2 protein. It affects a nucleotide within the consensus splice site. This variant is not present in population databases (gnomAD no frequency). This variant has not been reported in the literature in individuals affected with INF2-related conditions. Variants that disrupt the consensus splice site are a relatively common cause of aberrant splicing (PMID: 17576681, 9536098). Algorithms developed to predict the effect of sequence changes on RNA splicing suggest that this variant is not likely to affect RNA splicing. In summary, the available evidence is currently insufficient to determine the role of this variant in disease. Therefore, it has been classified as a Variant of Uncertain Significance.

Literature cited by the submitters: PubMed 17576681; PubMed 9536098.

NM_022489.4(INF2):c.507+4G>T

Gene: INF2 (inverted formin 2; plus strand). Cytogenetic location: 14q32.33.
Variant type: single nucleotide variant.
Coding change: c.507+4G>T on transcript NM_022489.4 (MANE Select); 4 bases into the intron after coding-DNA position 507, G replaced by T.
Molecular consequence: intron variant.
Genome position (GRCh38, 1-based): chr14:104,703,224, G>T. VCF-style: chr14-104703224-G-T. GRCh37 (hg19) VCF-style: chr14-105169561-G-T.
Other names: c.507+4G>T (NM_001031714.4, NM_032714.3).
Identifiers: ClinVar variation 2935087 (VCV002935087.3), dbSNP rs2140647412, ClinGen allele CA2730418920.